The following is an entry in ClinVar:

ClinVar aggregate classification (germline): Uncertain significance (1 of 4 stars; one submission).

Conditions:
Familial cancer of breast. Also called: BREAST CANCER, FAMILIAL; hereditary breast carcinoma; Hereditary breast cancer. Identifiers: Orphanet 227535, MedGen C0346153, MONDO:0016419, OMIM 114480. Disease mechanism: loss of function.
Fanconi anemia complementation group J. Also called: BRIP1-Related Fanconi Anemia. Identifiers: Orphanet 84, MedGen C1836860, MONDO:0012187, OMIM 609054.

Submission:

Labcorp Genetics (formerly Invitae), Labcorp
Classification: Uncertain significance for Familial cancer of breast; Fanconi anemia complementation group J. Last evaluated: 2021-07-31. Review status: criteria provided, single submitter. Criteria: Invitae Variant Classification Sherloc (09022015). Collection method: clinical testing. Allele origin: germline.
Comment: In summary, the available evidence is currently insufficient to determine the role of this variant in disease. Therefore, it has been classified as a Variant of Uncertain Significance. Algorithms developed to predict the effect of missense changes on protein structure and function are either unavailable or do not agree on the potential impact of this missense change (SIFT: "Deleterious"; PolyPhen-2: "Probably Damaging"; Align-GVGD: "Class C15"). This variant has not been reported in the literature in individuals affected with BRIP1-related conditions. This variant is not present in population databases (ExAC no frequency). This sequence change replaces glycine with arginine at codon 813 of the BRIP1 protein (p.Gly813Arg). The glycine residue is highly conserved and there is a moderate physicochemical difference between glycine and arginine.

NM_032043.3(BRIP1):c.2437G>C (p.Gly813Arg)

Gene: BRIP1 (BRCA1 interacting DNA helicase 1; minus strand). Cytogenetic location: 17q23.2.
Variant type: single nucleotide variant.
Coding change: c.2437G>C on transcript NM_032043.3 (MANE Select); coding-DNA position 2437, G replaced by C.
Protein change: p.Gly813Arg; replaces glycine 813 with arginine.
Molecular consequence: missense variant.
Genome position (GRCh38, 1-based): chr17:61,716,006, C>G on the plus strand (G>C on the coding strand, the complement: BRIP1 is on the minus strand). VCF-style: chr17-61716006-C-G. GRCh37 (hg19) VCF-style: chr17-59793367-C-G.
Other names: short protein forms G813R.
Identifiers: ClinVar variation 1357290 (VCV001357290.7), dbSNP rs2144381512, ClinGen allele CA400479621.